The following is an entry in ClinVar:

NM_001242896.3(DEPDC5):c.786G>C (p.Glu262Asp)

Gene: DEPDC5 (DEP domain containing 5, GATOR1 subcomplex subunit; plus strand). Cytogenetic location: 22q12.2.
Variant type: single nucleotide variant.
Coding change: c.786G>C on transcript NM_001242896.3 (MANE Select); coding-DNA position 786, G replaced by C.
Protein change: p.Glu262Asp; replaces glutamic acid 262 with aspartic acid.
Molecular consequence: missense variant. On other transcripts: non-coding transcript variant (5).
Genome position (GRCh38, 1-based): chr22:31,797,618, G>C. VCF-style: chr22-31797618-G-C. GRCh37 (hg19) VCF-style: chr22-32193604-G-C.
Other names: c.786G>C, p.Glu262Asp (NM_001363852.2, NM_001363854.2, NM_001364318.2 and 7 more transcripts); c.702G>C, p.Glu234Asp (NM_001369901.1, NM_001369902.1); short protein forms E234D, E262D.
Identifiers: ClinVar variation 5037051 (VCV005037051.1).

ClinVar aggregate classification (germline): Uncertain significance (1 of 4 stars; one submission).

Submission:

GeneDx
Classification: Uncertain significance. Last evaluated: 2026-04-14. Review status: criteria provided, single submitter. Criteria: GeneDx Variant Classification Process June 2021. Collection method: clinical testing. Allele origin: germline.
Comment: Not observed at significant frequency in large population cohorts (gnomAD); In silico analysis supports that this missense variant has a deleterious effect on protein structure/function; Has not been previously published as pathogenic or benign to our knowledge